The following is an entry in ClinVar:

NM_014319.5(LEMD3):c.1413C>G (p.His471Gln)

Gene: LEMD3 (LEM domain containing 3; plus strand). Cytogenetic location: 12q14.3.
Variant type: single nucleotide variant.
Coding change: c.1413C>G on transcript NM_014319.5 (MANE Select); coding-DNA position 1413, C replaced by G.
Protein change: p.His471Gln; replaces histidine 471 with glutamine.
Molecular consequence: missense variant.
Genome position (GRCh38, 1-based): chr12:65,171,009, C>G. VCF-style: chr12-65171009-C-G. GRCh37 (hg19) VCF-style: chr12-65564789-C-G.
Other names: c.1413C>G, p.His471Gln (NM_001167614.2); short protein forms H471Q.
Identifiers: ClinVar variation 3024053 (VCV003024053.3), dbSNP rs1868531270, ClinGen allele CA385676349.
Genomic context (GRCh38, chr12:65,171,009, plus strand): 5'-GGAACTTCTCCAGCAATTTAAACGGGAGGAGGTGTCCCCAACAGGGAGTTTCAGTGCCCA[C>G]TACTTGTCGATGTTTCTCTTAACTGCTGCCTGCTTATTTTTCCTAATACTGGGACTGACT-3'
Protein context (NP_055134.2, residues 461-481): EVSPTGSFSA[His471Gln]YLSMFLLTAA

ClinVar aggregate classification (germline): Uncertain significance (1 of 4 stars; one submission).

Allele frequency attached by ClinVar (database versions not stated): gnomAD 0.00001; TOPMed below 0.00001.
gnomAD v4.1: 4 of 1,614,108 alleles (0.00025%); highest among the groups gnomAD compares: Non-Finnish European, 0.00034%; no homozygotes.

Submission:

Labcorp Genetics (formerly Invitae), Labcorp
Classification: Uncertain significance. Last evaluated: 2026-01-21. Review status: criteria provided, single submitter. Criteria: Invitae Variant Classification Sherloc (09022015). Collection method: clinical testing. Allele origin: germline.
Comment: This sequence change replaces histidine, which is basic and polar, with glutamine, which is neutral and polar, at codon 471 of the LEMD3 protein (p.His471Gln). This variant is not present in population databases (gnomAD no frequency). This variant has not been reported in the literature in individuals affected with LEMD3-related conditions. ClinVar contains an entry for this variant (Variation ID: 3024053). Invitae Evidence Modeling of protein sequence and biophysical properties (such as structural, functional, and spatial information, amino acid conservation, physicochemical variation, residue mobility, and thermodynamic stability) indicates that this missense variant is not expected to disrupt LEMD3 protein function with a negative predictive value of 80%. In summary, the available evidence is currently insufficient to determine the role of this variant in disease. Therefore, it has been classified as a Variant of Uncertain Significance.